The following is an entry in ClinVar:

NM_006514.4(SCN10A):c.2738C>A (p.Ala913Asp)

Gene: SCN10A (sodium voltage-gated channel alpha subunit 10; minus strand). Cytogenetic location: 3p22.2.
Variant type: single nucleotide variant.
Coding change: c.2738C>A on transcript NM_006514.4 (MANE Select); coding-DNA position 2738, C replaced by A.
Protein change: p.Ala913Asp; replaces alanine 913 with aspartic acid.
Molecular consequence: missense variant.
Genome position (GRCh38, 1-based): chr3:38,726,955, G>T on the plus strand (C>A on the coding strand, the complement: SCN10A is on the minus strand). VCF-style: chr3-38726955-G-T. GRCh37 (hg19) VCF-style: chr3-38768446-G-T.
Other names: c.2738C>A, p.Ala913Asp (NM_001293306.2); c.2444C>A, p.Ala815Asp (NM_001293307.2); short protein forms A815D, A913D.
Identifiers: ClinVar variation 1795368 (VCV001795368.2), dbSNP rs758836437, ClinGen allele CA2320442.

ClinVar aggregate classification (germline): Uncertain significance (1 of 4 stars; one submission).

Conditions:
Cardiovascular phenotype. Identifiers: MedGen CN230736.

Allele frequency attached by ClinVar (database versions not stated): gnomAD exomes below 0.00001; TOPMed below 0.00001; ExAC 0.00001; gnomAD 0.00001.
gnomAD v4.1: 6 of 1,614,102 alleles (0.00037%); highest among the groups gnomAD compares: East Asian, 0.013%; no homozygotes.

Submission:

Ambry Genetics
Classification: Uncertain significance for Cardiovascular phenotype. Last evaluated: 2021-01-13. Review status: criteria provided, single submitter. Criteria: Ambry Variant Classification Scheme 2023. Collection method: clinical testing. Allele origin: germline.
Comment: The p.A913D variant (also known as c.2738C>A), located in coding exon 16 of the SCN10A gene, results from a C to A substitution at nucleotide position 2738. The alanine at codon 913 is replaced by aspartic acid, an amino acid with dissimilar properties. This amino acid position is highly conserved in available vertebrate species. In addition, this alteration is predicted to be deleterious by in silico analysis. Since supporting evidence is limited at this time, the clinical significance of this alteration remains unclear.